The following is an entry in ClinVar:

ClinVar aggregate classification (germline): Uncertain significance (1 of 4 stars; one submission).

Conditions:
Hereditary spastic paraplegia 11. Also called: SPASTIC PARAPLEGIA, AUTOSOMAL RECESSIVE, COMPLICATED, WITH THIN CORPUS CALLOSUM; SPASTIC PARAPLEGIA, AUTOSOMAL RECESSIVE, WITH MENTAL IMPAIRMENT AND THIN CORPUS CALLOSUM; Spastic paraplegia, mental retardation and thin corpus callosum; Spastic Paraplegia 11; Nakamura Osame syndrome; Autosomal recessive hereditary spastic paraplegia, mental impairment, and thin corpus callosum. Identifiers: Orphanet 2822, MedGen C1858479, MONDO:0011445, OMIM 604360.

Submission:

Labcorp Genetics (formerly Invitae), Labcorp
Classification: Uncertain significance for Hereditary spastic paraplegia 11. Last evaluated: 2023-02-11. Review status: criteria provided, single submitter. Criteria: Invitae Variant Classification Sherloc (09022015). Collection method: clinical testing. Allele origin: germline.
Comment: In summary, the available evidence is currently insufficient to determine the role of this variant in disease. Therefore, it has been classified as a Variant of Uncertain Significance. Advanced modeling of protein sequence and biophysical properties (such as structural, functional, and spatial information, amino acid conservation, physicochemical variation, residue mobility, and thermodynamic stability) performed at Invitae indicates that this missense variant is expected to disrupt SPG11 protein function. This variant has not been reported in the literature in individuals affected with SPG11-related conditions. This variant is not present in population databases (gnomAD no frequency). This sequence change replaces glycine, which is neutral and non-polar, with valine, which is neutral and non-polar, at codon 2134 of the SPG11 protein (p.Gly2134Val).

NM_025137.4(SPG11):c.6401G>T (p.Gly2134Val)

Gene: SPG11 (SPG11 vesicle trafficking associated, spatacsin; minus strand). Cytogenetic location: 15q21.1.
Variant type: single nucleotide variant.
Coding change: c.6401G>T on transcript NM_025137.4 (MANE Select); coding-DNA position 6401, G replaced by T.
Protein change: p.Gly2134Val; replaces glycine 2134 with valine.
Molecular consequence: missense variant.
Genome position (GRCh38, 1-based): chr15:44,570,601, C>A on the plus strand (G>T on the coding strand, the complement: SPG11 is on the minus strand). VCF-style: chr15-44570601-C-A. GRCh37 (hg19) VCF-style: chr15-44862799-C-A.
Other names: c.6062G>T, p.Gly2021Val (NM_001160227.2); c.6257G>T, p.Gly2086Val (NM_001411132.1); short protein forms G2134V, G2021V, G2086V.
Identifiers: ClinVar variation 2836473 (VCV002836473.3), dbSNP rs2505205816, ClinGen allele CA392216385.